The following is an entry in ClinVar:

ClinVar aggregate classification (germline): Uncertain significance (1 of 4 stars; one submission).

Conditions:
Spastic paraplegia. Identifiers: MedGen C0037772, HP:0001258.

Allele frequency attached by ClinVar (database versions not stated): ExAC 0.00001.

Submission:

Labcorp Genetics (formerly Invitae), Labcorp
Classification: Uncertain significance for Spastic paraplegia. Last evaluated: 2024-03-02. Review status: criteria provided, single submitter. Criteria: Invitae Variant Classification Sherloc (09022015). Collection method: clinical testing. Allele origin: germline.
Comment: This sequence change falls in intron 18 of the KIF5A gene. It does not directly change the encoded amino acid sequence of the KIF5A protein. It affects a nucleotide within the consensus splice site. This variant is present in population databases (rs745342702, gnomAD 0.0009%). This variant has not been reported in the literature in individuals affected with KIF5A-related conditions. Variants that disrupt the consensus splice site are a relatively common cause of aberrant splicing (PMID: 17576681, 9536098). Algorithms developed to predict the effect of sequence changes on RNA splicing suggest that this variant is not likely to affect RNA splicing. In summary, the available evidence is currently insufficient to determine the role of this variant in disease. Therefore, it has been classified as a Variant of Uncertain Significance.

Literature cited by the submitters: PubMed 17576681; PubMed 9536098.

NM_004984.4(KIF5A):c.2088+3G>A

Gene: KIF5A (kinesin family member 5A; plus strand). Cytogenetic location: 12q13.3.
Variant type: single nucleotide variant.
Coding change: c.2088+3G>A on transcript NM_004984.4 (MANE Select); 3 bases into the intron after coding-DNA position 2088, G replaced by A.
Molecular consequence: intron variant.
Genome position (GRCh38, 1-based): chr12:57,576,154, G>A. VCF-style: chr12-57576154-G-A. GRCh37 (hg19) VCF-style: chr12-57969937-G-A.
Other names: c.1821+3G>A (NM_001354705.2).
Identifiers: ClinVar variation 2698666 (VCV002698666.3), dbSNP rs745342702, ClinGen allele CA6652993.